The following is an entry in ClinVar:

NM_001378454.1(ALMS1):c.7274C>T (p.Ser2425Phe)

Gene: ALMS1 (ALMS1 centrosome and basal body associated protein; plus strand). Cytogenetic location: 2p13.1.
Variant type: single nucleotide variant.
Coding change: c.7274C>T on transcript NM_001378454.1 (MANE Select); coding-DNA position 7274, C replaced by T.
Protein change: p.Ser2425Phe; replaces serine 2425 with phenylalanine.
Molecular consequence: missense variant.
Genome position (GRCh38, 1-based): chr2:73,453,801, C>T. VCF-style: chr2-73453801-C-T. GRCh37 (hg19) VCF-style: chr2-73680928-C-T.
Other names: c.7277C>T, p.Ser2426Phe (NM_015120.4); short protein forms S2425F, S2426F.
Identifiers: ClinVar variation 3031324 (VCV003031324.1), dbSNP rs2466111958, ClinGen allele CA347292003.

ClinVar aggregate classification (germline): Uncertain significance (1 of 4 stars; one submission).

Conditions:
ALMS1-related disorder. Also called: ALMS1-related condition.

Allele frequency attached by ClinVar (database versions not stated): gnomAD exomes below 0.00001.
gnomAD v4.1: 1 of 1,614,086 alleles (0.000062%); highest among the groups gnomAD compares: Non-Finnish European, 0.000085%; no homozygotes.

Submission:

PreventionGenetics, part of Exact Sciences
Classification: Uncertain significance for ALMS1-related condition. Last evaluated: 2024-01-30. Review status: criteria provided, single submitter. Criteria: ACMG Guidelines, 2015. Collection method: clinical testing. Allele origin: germline.
Comment: The ALMS1 c.7277C>T variant is predicted to result in the amino acid substitution p.Ser2426Leu. To our knowledge, this variant has not been reported in the literature. This variant is reported in 0.013% of alleles in individuals of South Asian descent in gnomAD. At this time, the clinical significance of this variant is uncertain due to the absence of conclusive functional and genetic evidence.